The following is an entry in ClinVar:

NM_005026.5(PIK3CD):c.1891A>G (p.Lys631Glu)

Gene: PIK3CD (phosphatidylinositol-4,5-bisphosphate 3-kinase catalytic subunit delta; plus strand). Cytogenetic location: 1p36.22.
Variant type: single nucleotide variant.
Coding change: c.1891A>G on transcript NM_005026.5 (MANE Select); coding-DNA position 1891, A replaced by G.
Protein change: p.Lys631Glu; replaces lysine 631 with glutamic acid.
Molecular consequence: missense variant. On other transcripts: intron variant (2).
Genome position (GRCh38, 1-based): chr1:9,721,523, A>G. VCF-style: chr1-9721523-A-G. GRCh37 (hg19) VCF-style: chr1-9781581-A-G.
Other names: c.1888A>G, p.Lys630Glu (NM_001350234.2, NM_001439206.1); c.1804A>G, p.Lys602Glu (NM_001350235.1); c.1891A>G, p.Lys631Glu (NM_001437546.1); c.1812-238A>G (NM_001437547.1, NM_001438338.1); short protein forms K602E, K630E, K631E.
Identifiers: ClinVar variation 4742122 (VCV004742122.1).

ClinVar aggregate classification (germline): Uncertain significance (1 of 4 stars; one submission).

Conditions:
Immunodeficiency 14 (IMD14A). Also called: p110-DELTA-ACTIVATING MUTATION CAUSING SENESCENT T CELLS, LYMPHADENOPATHY, AND IMMUNODEFICIENCY; ACTIVATED PI3K-DELTA SYNDROME 1; Activated PI3K Delta Syndrome Type 1 (APDS1); IMMUNODEFICIENCY 14A WITH LYMPHOPROLIFERATION, AUTOSOMAL DOMINANT. Identifiers: Orphanet 397596, Orphanet 693661, MedGen C5907821, MONDO:0014222, OMIM 615513.

Submission:

Labcorp Genetics (formerly Invitae), Labcorp
Classification: Uncertain significance for Activated PI3K-delta syndrome. Last evaluated: 2025-12-27. Review status: criteria provided, single submitter. Criteria: Invitae Variant Classification Sherloc (09022015). Collection method: clinical testing. Allele origin: germline.
Comment: This sequence change replaces lysine, which is basic and polar, with glutamic acid, which is acidic and polar, at codon 631 of the PIK3CD protein (p.Lys631Glu). This variant is not present in population databases (gnomAD no frequency). This variant has not been reported in the literature in individuals affected with PIK3CD-related conditions. Invitae Evidence Modeling of protein sequence and biophysical properties (such as structural, functional, and spatial information, amino acid conservation, physicochemical variation, residue mobility, and thermodynamic stability) indicates that this missense variant is not expected to disrupt PIK3CD protein function with a negative predictive value of 80%. In summary, the available evidence is currently insufficient to determine the role of this variant in disease. Therefore, it has been classified as a Variant of Uncertain Significance.